The following is an entry in ClinVar:

ClinVar aggregate classification (germline): Uncertain significance (1 of 4 stars; one submission).

Conditions:
Hereditary cancer-predisposing syndrome. Also called: Neoplastic Syndromes, Hereditary; Tumor predisposition; Hereditary Cancer Syndrome; Hereditary neoplastic syndrome. Identifiers: Orphanet 140162, MedGen C0027672, MeSH D009386, MONDO:0015356.

Submission:

Ambry Genetics
Classification: Uncertain significance for Hereditary cancer-predisposing syndrome. Last evaluated: 2025-06-11. Review status: criteria provided, single submitter. Criteria: Ambry Variant Classification Scheme 2023. Collection method: clinical testing. Allele origin: germline.
Comment: The p.Q1041P variant (also known as c.3122A>C), located in coding exon 15 of the APC gene, results from an A to C substitution at nucleotide position 3122. The glutamine at codon 1041 is replaced by proline, an amino acid with similar properties. This amino acid position is highly conserved in available vertebrate species. In addition, in silico predictors for this gene do not accurately predict pathogenicity. Missense alterations in APC are not a common cause of disease (Spier I et al. Genet Med. 2024 Feb;26(2):100992). Since supporting evidence is limited at this time, the clinical significance of this alteration remains unclear.

NM_000038.6(APC):c.3122A>C (p.Gln1041Pro)

Gene: APC (APC regulator of Wnt signaling pathway; plus strand). Cytogenetic location: 5q22.2.
Variant type: single nucleotide variant.
Coding change: c.3122A>C on transcript NM_000038.6 (MANE Select); coding-DNA position 3122, A replaced by C.
Protein change: p.Gln1041Pro; replaces glutamine 1041 with proline.
Molecular consequence: missense variant.
Genome position (GRCh38, 1-based): chr5:112,838,716, A>C. VCF-style: chr5-112838716-A-C. GRCh37 (hg19) VCF-style: chr5-112174413-A-C.
Other names: c.3122A>C, p.Gln1041Pro (NM_001127510.3, NM_001354895.2); c.3068A>C, p.Gln1023Pro (NM_001127511.3); c.3176A>C, p.Gln1059Pro (NM_001354896.2); c.3152A>C, p.Gln1051Pro (NM_001354897.2); c.3047A>C, p.Gln1016Pro (NM_001354898.2); c.3038A>C, p.Gln1013Pro (NM_001354899.2); c.2999A>C, p.Gln1000Pro (NM_001354900.2); c.2945A>C, p.Gln982Pro (NM_001354901.2); and 5 more; short protein forms Q1041P, Q1023P, Q1051P, Q915P, Q950P, Q982P, Q1059P, Q881P.
Identifiers: ClinVar variation 482428 (VCV000482428.6), dbSNP rs1554084709, ClinGen allele CA16028173.
Genomic context (GRCh38, chr5:112,838,716, plus strand): 5'-TAGATACACCAATAAATTATAGTCTTAAATATTCAGATGAGCAGTTGAACTCTGGAAGGC[A>C]AAGTCCTTCACAGAATGAAAGATGGGCAAGACCCAAACACATAATAGAAGATGAAATAAA-3'
Protein context (NP_000029.2, residues 1031-1051): YSDEQLNSGR[Gln1041Pro]SPSQNERWAR